The following is an entry in ClinVar:

NM_015340.4(LARS2):c.2018A>G (p.Glu673Gly)

Gene: LARS2 (leucyl-tRNA synthetase 2, mitochondrial; plus strand). Cytogenetic location: 3p21.31.
Variant type: single nucleotide variant.
Coding change: c.2018A>G on transcript NM_015340.4 (MANE Select); coding-DNA position 2018, A replaced by G.
Protein change: p.Glu673Gly; replaces glutamic acid 673 with glycine.
Molecular consequence: missense variant.
Genome position (GRCh38, 1-based): chr3:45,516,250, A>G. VCF-style: chr3-45516250-A-G. GRCh37 (hg19) VCF-style: chr3-45557742-A-G.
Other names: c.2018A>G, p.Glu673Gly (NM_001368263.1); short protein forms E673G.
Identifiers: ClinVar variation 2430639 (VCV002430639.1), dbSNP rs763659716, ClinGen allele CA2349744.

ClinVar aggregate classification (germline): Uncertain significance (1 of 4 stars; one submission).

Allele frequency attached by ClinVar (database versions not stated): gnomAD exomes 0.00001; TOPMed 0.00001; ExAC 0.00002.
gnomAD v4.1: 3 of 1,613,920 alleles (0.00019%); highest among the groups gnomAD compares: Admixed American, 0.0017%; no homozygotes.

Submission:

GeneDx
Classification: Uncertain significance. Last evaluated: 2022-12-28. Review status: criteria provided, single submitter. Criteria: GeneDx Variant Classification Process June 2021. Collection method: clinical testing. Allele origin: germline. Affected: yes.
Comment: Not observed at significant frequency in large population cohorts (gnomAD); In silico analysis supports that this missense variant has a deleterious effect on protein structure/function; Has not been previously published as pathogenic or benign to our knowledge